The following is an entry in ClinVar:

NM_000138.5(FBN1):c.5593T>C (p.Cys1865Arg)

Gene: FBN1 (fibrillin 1; minus strand). Cytogenetic location: 15q21.1.
Variant type: single nucleotide variant.
Coding change: c.5593T>C on transcript NM_000138.5 (MANE Select); coding-DNA position 5593, T replaced by C.
Protein change: p.Cys1865Arg; replaces cysteine 1865 with arginine.
Molecular consequence: missense variant.
Genome position (GRCh38, 1-based): chr15:48,448,846, A>G on the plus strand (T>C on the coding strand, the complement: FBN1 is on the minus strand). VCF-style: chr15-48448846-A-G. GRCh37 (hg19) VCF-style: chr15-48741043-A-G.
Other names: short protein forms C1865R.
Identifiers: ClinVar variation 549291 (VCV000549291.8), dbSNP rs1555395984, ClinGen allele CA392342113.

ClinVar aggregate classification (germline): Pathogenic. Review status: criteria provided, single submitter (1 of 4 stars). 2 submissions from 2 submitters: Pathogenic (1). 1 of the submissions does not count toward it. Last evaluated 2024-06-12.

Conditions:
Familial thoracic aortic aneurysm and aortic dissection (TAAD). Also called: Thoracic aortic aneurysms and dissections. Identifiers: Orphanet 91387, MedGen C4707243, MONDO:0019625.
Marfan syndrome (MFS). Also called: Marfan syndrome type 1; Marfan syndrome, classic; Marfan's syndrome; FBN1-Related Marfan Syndrome; MARFAN SYNDROME, TYPE I. Identifiers: Orphanet 284963, Orphanet 558, MedGen C0024796, MONDO:0007947, OMIM 154700.

Submissions (2):

Labcorp Genetics (formerly Invitae), Labcorp
Classification: Pathogenic for Marfan syndrome; Familial thoracic aortic aneurysm and aortic dissection. Last evaluated: 2024-06-12. Review status: criteria provided, single submitter. Criteria: Invitae Variant Classification Sherloc (09022015). Collection method: clinical testing. Allele origin: germline.
Comment: This sequence change replaces cysteine, which is neutral and slightly polar, with arginine, which is basic and polar, at codon 1865 of the FBN1 protein (p.Cys1865Arg). This variant is not present in population databases (gnomAD no frequency). This missense change has been observed in individuals with FBN1-related conditions (PMID: 22772377, 30341550). ClinVar contains an entry for this variant (Variation ID: 549291). Advanced modeling of protein sequence and biophysical properties (such as structural, functional, and spatial information, amino acid conservation, physicochemical variation, residue mobility, and thermodynamic stability) performed at Invitae indicates that this missense variant is expected to disrupt FBN1 protein function with a positive predictive value of 95%. This variant affects a cysteine residue in the EGF-like, TGFBP or hybrid motif domains of FBN1. Cysteine residues are believed to be involved in intramolecular disulfide bridges and have been shown to be important for FBN1 protein structure (PMID: 16905551, 19349279). In addition, missense substitutions affecting cysteine residues within these domains are significantly overrepresented among patients with Marfan syndrome (PMID: 16571647, 17701892). For these reasons, this variant has been classified as Pathogenic.

Center for Medical Genetics Ghent, University of Ghent
Classification: Likely pathogenic for Marfan syndrome. Last evaluated: 2017-11-07. Review status: no assertion criteria provided. Collection method: clinical testing. Allele origin: germline. Affected: yes. Not counted in ClinVar's aggregate classification.

Literature cited by the submitters: PubMed 22772377 (cited by Labcorp Genetics (formerly Invitae), Labcorp); PubMed 30341550 (cited by Labcorp Genetics (formerly Invitae), Labcorp); PubMed 16905551 (cited by Labcorp Genetics (formerly Invitae), Labcorp); PubMed 19349279 (cited by Labcorp Genetics (formerly Invitae), Labcorp); PubMed 16571647 (cited by Labcorp Genetics (formerly Invitae), Labcorp); PubMed 17701892 (cited by Labcorp Genetics (formerly Invitae), Labcorp).